The following is an entry in ClinVar:

ClinVar aggregate classification (germline): Uncertain significance. Review status: criteria provided, multiple submitters, no conflicts (2 of 4 stars). 2 submissions from 2 submitters: Uncertain significance (2). Last evaluated 2025-08-30.

Conditions:
Hereditary cancer-predisposing syndrome. Also called: Tumor predisposition; Neoplastic Syndromes, Hereditary; Hereditary Cancer Syndrome; Hereditary neoplastic syndrome. Identifiers: Orphanet 140162, MedGen C0027672, MeSH D009386, MONDO:0015356.
Tuberous sclerosis 2 (TSC2). Identifiers: Orphanet 805, MedGen C1860707, MONDO:0013199, OMIM 613254.

Allele frequency attached by ClinVar (database versions not stated): gnomAD exomes below 0.00001.
gnomAD v4.1: 1 of 1,613,380 alleles (0.000062%); highest among the groups gnomAD compares: Non-Finnish European, 0.000085%; no homozygotes.

Submissions (2):

Labcorp Genetics (formerly Invitae), Labcorp
Classification: Uncertain significance for Tuberous sclerosis 2. Last evaluated: 2025-08-30. Review status: criteria provided, single submitter. Criteria: Invitae Variant Classification Sherloc (09022015). Collection method: clinical testing. Allele origin: germline.
Comment: This sequence change replaces valine, which is neutral and non-polar, with glycine, which is neutral and non-polar, at codon 591 of the TSC2 protein (p.Val591Gly). This variant is not present in population databases (gnomAD no frequency). This variant has not been reported in the literature in individuals affected with TSC2-related conditions. ClinVar contains an entry for this variant (Variation ID: 1779825). Invitae Evidence Modeling of protein sequence and biophysical properties (such as structural, functional, and spatial information, amino acid conservation, physicochemical variation, residue mobility, and thermodynamic stability) indicates that this missense variant is not expected to disrupt TSC2 protein function with a negative predictive value of 95%. In summary, the available evidence is currently insufficient to determine the role of this variant in disease. Therefore, it has been classified as a Variant of Uncertain Significance.

Ambry Genetics
Classification: Uncertain significance for Hereditary cancer-predisposing syndrome. Last evaluated: 2020-07-28. Review status: criteria provided, single submitter. Criteria: Ambry Variant Classification Scheme 2023. Collection method: clinical testing. Allele origin: germline.
Comment: The p.V591G variant (also known as c.1772T>G), located in coding exon 16 of the TSC2 gene, results from a T to G substitution at nucleotide position 1772. The valine at codon 591 is replaced by glycine, an amino acid with dissimilar properties. This amino acid position is not well conserved in available vertebrate species. In addition, this alteration is predicted to be deleterious by in silico analysis. Since supporting evidence is limited at this time, the clinical significance of this alteration remains unclear.

NM_000548.5(TSC2):c.1772T>G (p.Val591Gly)

Gene: TSC2 (TSC complex subunit 2; plus strand). Cytogenetic location: 16p13.3.
Variant type: single nucleotide variant.
Coding change: c.1772T>G on transcript NM_000548.5 (MANE Select); coding-DNA position 1772, T replaced by G.
Protein change: p.Val591Gly; replaces valine 591 with glycine.
Molecular consequence: missense variant.
Genome position (GRCh38, 1-based): chr16:2,070,511, T>G. VCF-style: chr16-2070511-T-G. GRCh37 (hg19) VCF-style: chr16-2120512-T-G.
Other names: c.1772T>G, p.Val591Gly (NM_001363528.2, NM_001370404.1, NM_001370405.1 and 6 more transcripts); c.1862T>G, p.Val621Gly (NM_001406667.1, NM_001406668.1); c.1661T>G, p.Val554Gly (NM_001406670.1, NM_001318827.2, NM_001406678.1); c.1172T>G, p.Val391Gly (NM_001406683.1, NM_001406684.1, NM_001406685.1 and 6 more transcripts); c.428T>G, p.Val143Gly (NM_001406689.1, NM_001406690.1, NM_001406691.1 and 6 more transcripts); c.170T>G, p.Val57Gly (NM_001406698.1); c.1625T>G, p.Val542Gly (NM_001318829.2, NM_001406675.1, NM_001406676.1 and 1 more transcripts); c.1805T>G, p.Val602Gly (NM_001318832.2); and 3 more; short protein forms V542G, V554G, V572G, V587G, V591G, V621G, V437G, V143G.
Identifiers: ClinVar variation 1779825 (VCV001779825.7), dbSNP rs2151279869, ClinGen allele CA394272891.